The following is an entry in ClinVar:

ClinVar aggregate classification (germline): Likely pathogenic (1 of 4 stars; one submission).

Submission:

GeneDx
Classification: Likely pathogenic. Last evaluated: 2022-10-20. Review status: criteria provided, single submitter. Criteria: GeneDx Variant Classification Process June 2021. Collection method: clinical testing. Allele origin: germline. Affected: yes.
Comment: Frameshift variant predicted to result in protein truncation, as the last 169 amino acids are replaced with 68 different amino acids, and other loss-of-function variants have been reported downstream in HGMD; Not observed at significant frequency in large population cohorts (gnomAD); Has not been previously published as pathogenic or benign to our knowledge

NM_001453.3(FOXC1):c.994del (p.Leu332fs)

Gene: FOXC1 (forkhead box C1; plus strand). Cytogenetic location: 6p25.3.
Variant type: Deletion.
Coding change: c.994del on transcript NM_001453.3 (MANE Select); coding-DNA position 994, one base deleted (C; older notation c.994delC).
Protein change: p.Leu332fs; shifts the reading frame from leucine 332.
Molecular consequence: frameshift variant.
Genome position (GRCh38, 1-based): chr6:1,611,439, C deleted; the last of 2 consecutive C bases (chr6:1,611,438-1,611,439); deleting either gives the same sequence. VCF-style (leftmost placement, unchanged base first): chr6-1611437-GC-G. GRCh37 (hg19) VCF-style: chr6-1611672-GC-G.
Other names: short protein forms L332fs.
Identifiers: ClinVar variation 2430759 (VCV002430759.1), dbSNP rs2480505023, ClinGen allele CA2580074202.
Genomic context (GRCh38, chr6:1,611,437, plus strand): 5'-ACAACATCATGACGTCGCTGCGGGGGTCGCCGCAGAGCGCGGCCGCGGAGCTCAGCTCCG[GC>G]CTTCTGGCCTCGGCGGCCGCGTCCTCGCGCGCGGGGATCGCACCCCCGCTGGCGCTCGGC-3'